The following is an entry in ClinVar:

NM_001130438.3(SPTAN1):c.3915G>A (p.Glu1305=)

Gene: SPTAN1 (spectrin alpha, non-erythrocytic 1; plus strand). Cytogenetic location: 9q34.11.
Variant type: single nucleotide variant.
Coding change: c.3915G>A on transcript NM_001130438.3 (MANE Select); coding-DNA position 3915, G replaced by A.
Protein change: p.Glu1305=; no amino-acid change (glutamic acid 1305 retained).
Molecular consequence: synonymous variant.
Genome position (GRCh38, 1-based): chr9:128,605,346, G>A. VCF-style: chr9-128605346-G-A. GRCh37 (hg19) VCF-style: chr9-131367625-G-A.
Other names: c.3855G>A, p.Glu1285= (NM_001195532.2, NM_001363765.2, NM_001375314.2); c.3915G>A, p.Glu1305= (NM_001363759.2, NM_001375310.1, NM_001375311.2 and 2 more transcripts); c.3951G>A, p.Glu1317= (NM_001375312.2, NM_001375318.1).
Identifiers: ClinVar variation 1117083 (VCV001117083.13), dbSNP rs761628910, ClinGen allele CA5265079.

ClinVar aggregate classification (germline): Likely benign. Review status: criteria provided, multiple submitters, no conflicts (2 of 4 stars). 3 submissions from 3 submitters: Likely benign (3). Last evaluated 2025-12-13.

Conditions:
SPTAN1-related disorder. Also called: SPTAN1-related condition; SPTAN1-related disorders.
Inborn genetic diseases. Identifiers: MedGen C0950123, MeSH D030342.
Early-infantile DEE. Also called: Ohtahara syndrome; Early infantile epileptic encephalopathy with suppression bursts; Early infantile epileptic encephalopathy. Identifiers: Orphanet 1934, MedGen C0393706, MONDO:0800491.

Allele frequency attached by ClinVar (database versions not stated): ExAC 0.00001; gnomAD exomes 0.00001 and 0.00002; gnomAD 0.00005; TOPMed 0.00005.
gnomAD v4.1: 17 of 1,614,224 alleles (0.0011%); highest among the groups gnomAD compares: African/African-American, 0.019%; no homozygotes.

Submissions (3):

Labcorp Genetics (formerly Invitae), Labcorp
Classification: Likely benign for Early-infantile DEE. Last evaluated: 2025-12-13. Review status: criteria provided, single submitter. Criteria: Invitae Variant Classification Sherloc (09022015). Collection method: clinical testing. Allele origin: germline.

PreventionGenetics, part of Exact Sciences
Classification: Likely benign for SPTAN1-related condition. Last evaluated: 2024-11-09. Review status: criteria provided, single submitter. Criteria: ACMG Guidelines, 2015. Collection method: clinical testing. Allele origin: germline.
Comment: This variant is classified as likely benign based on ACMG/AMP sequence variant interpretation guidelines (Richards et al. 2015 PMID: 25741868, with internal and published modifications).

Ambry Genetics
Classification: Likely benign for Inborn genetic diseases. Last evaluated: 2017-09-27. Review status: criteria provided, single submitter. Criteria: Ambry Variant Classification Scheme 2023. Collection method: clinical testing. Allele origin: germline.